The following is an entry in ClinVar:

NM_001379403.1(WDR26):c.937T>G (p.Phe313Val)

Gene: WDR26 (WD repeat domain 26; minus strand). Cytogenetic location: 1q42.12.
Variant type: single nucleotide variant.
Coding change: c.937T>G on transcript NM_001379403.1 (MANE Select); coding-DNA position 937, T replaced by G.
Protein change: p.Phe313Val; replaces phenylalanine 313 with valine.
Molecular consequence: missense variant.
Genome position (GRCh38, 1-based): chr1:224,424,645, A>C on the plus strand (T>G on the coding strand, the complement: WDR26 is on the minus strand). VCF-style: chr1-224424645-A-C. GRCh37 (hg19) VCF-style: chr1-224612347-A-C.
Other names: c.589T>G, p.Phe197Val (NM_001115113.3); c.637T>G, p.Phe213Val (NM_025160.7); short protein forms F197V, F213V, F313V.
Identifiers: ClinVar variation 1699557 (VCV001699557.2), dbSNP rs2102919579, ClinGen allele CA344751229.

ClinVar aggregate classification (germline): Uncertain significance (1 of 4 stars; one submission).

Submission:

GeneDx
Classification: Uncertain significance. Last evaluated: 2022-02-01. Review status: criteria provided, single submitter. Criteria: GeneDx Variant Classification Process June 2021. Collection method: clinical testing. Allele origin: germline. Affected: yes.
Comment: Not observed at significant frequency in large population cohorts (gnomAD); In silico analysis supports that this missense variant has a deleterious effect on protein structure/function; Has not been previously published as pathogenic or benign to our knowledge